The following is an entry in ClinVar:

NM_006767.4(LZTR1):c.2120A>C (p.Asn707Thr)

Gene: LZTR1 (leucine zipper like post translational regulator 1; plus strand). Cytogenetic location: 22q11.21.
Variant type: single nucleotide variant.
Coding change: c.2120A>C on transcript NM_006767.4 (MANE Select); coding-DNA position 2120, A replaced by C.
Protein change: p.Asn707Thr; replaces asparagine 707 with threonine.
Molecular consequence: missense variant.
Genome position (GRCh38, 1-based): chr22:20,996,013, A>C. VCF-style: chr22-20996013-A-C. GRCh37 (hg19) VCF-style: chr22-21350302-A-C.
Other names: short protein forms N707T.
Identifiers: ClinVar variation 3238205 (VCV003238205.1), dbSNP rs2518624522.

ClinVar aggregate classification (germline): Uncertain significance (1 of 4 stars; one submission).

Conditions:
Hereditary cancer-predisposing syndrome. Also called: Neoplastic Syndromes, Hereditary; Tumor predisposition; Hereditary neoplastic syndrome; Hereditary Cancer Syndrome. Identifiers: Orphanet 140162, MedGen C0027672, MeSH D009386, MONDO:0015356.
Cardiovascular phenotype. Identifiers: MedGen CN230736.

Submission:

Ambry Genetics
Classification: Uncertain significance for Cardiovascular phenotype; Hereditary cancer-predisposing syndrome. Last evaluated: 2023-07-27. Review status: criteria provided, single submitter. Criteria: Ambry Variant Classification Scheme 2023. Collection method: clinical testing. Allele origin: germline.
Comment: The p.N707T variant (also known as c.2120A>C), located in coding exon 18 of the LZTR1 gene, results from an A to C substitution at nucleotide position 2120. The asparagine at codon 707 is replaced by threonine, an amino acid with similar properties. This amino acid position is conserved. In addition, this alteration is predicted to be tolerated by in silico analysis. Since supporting evidence is limited at this time, the clinical significance of this alteration remains unclear.